The following is an entry in ClinVar:

NM_000053.4(ATP7B):c.2131G>T (p.Gly711Trp)

Gene: ATP7B (ATPase copper transporting beta; minus strand). Cytogenetic location: 13q14.3.
Variant type: single nucleotide variant.
Coding change: c.2131G>T on transcript NM_000053.4 (MANE Select); coding-DNA position 2131, G replaced by T.
Protein change: p.Gly711Trp; replaces glycine 711 with tryptophan.
Molecular consequence: missense variant. On other transcripts: intron variant (2).
Genome position (GRCh38, 1-based): chr13:51,958,535, C>A on the plus strand (G>T on the coding strand, the complement: ATP7B is on the minus strand). VCF-style: chr13-51958535-C-A. GRCh37 (hg19) VCF-style: chr13-52532671-C-A.
Other names: c.1798G>T, p.Gly600Trp (NM_001243182.2); c.1879G>T, p.Gly627Trp (NM_001330579.2); c.1870-928G>T (NM_001005918.3); c.2122-928G>T (NM_001330578.2); short protein forms G711W, G600W, G627W.
Identifiers: ClinVar variation 555609 (VCV000555609.26), dbSNP rs1394999756, ClinGen allele CA388023467.
Genomic context (GRCh38, chr13:51,958,535, plus strand): 5'-CGTCCATGTTGGCTGACCTGTGTCTCAGAGATTTGTAGGCCTGAACGTAGAAGTACCACC[C>A]ACCGAGGAGCTGAAAGACAAGGACAGTGAAGGCTGCCAGCAAGTAGGGAGGAGAGTTCAA-3'
Protein context (NP_000044.2, residues 701-721): ILCTFVQLLG[Gly711Trp]WYFYVQAYKS

ClinVar aggregate classification (germline): Pathogenic/Likely pathogenic. Review status: criteria provided, multiple submitters, no conflicts (2 of 4 stars). 12 submissions from 12 submitters: Pathogenic (5); Likely pathogenic (6). 1 of the submissions does not count toward it. Last evaluated 2024-11-25.

Conditions:
ATP7B-related disorder. Also called: ATP7B-related condition.
Wilson disease (WND). Also called: Wilson's disease. Identifiers: Orphanet 905, MedGen C0019202, MONDO:0010200, OMIM 277900. Disease mechanism: loss of function.

Allele frequency attached by ClinVar (database versions not stated): gnomAD exomes 0.00001.
gnomAD v4.1: 5 of 1,614,094 alleles (0.00031%); highest among the groups gnomAD compares: South Asian, 0.0033%; no homozygotes.

Submissions (12):

Revvity Omics, Revvity
Classification: Likely pathogenic for Wilson disease. Last evaluated: 2024-11-25. Review status: criteria provided, single submitter. Criteria: ACMG Guidelines, 2015. Collection method: clinical testing. Allele origin: germline.

Labcorp Genetics (formerly Invitae), Labcorp
Classification: Pathogenic for Wilson disease. Last evaluated: 2024-09-17. Review status: criteria provided, single submitter. Criteria: Invitae Variant Classification Sherloc (09022015). Collection method: clinical testing. Allele origin: germline.
Comment: This sequence change replaces glycine, which is neutral and non-polar, with tryptophan, which is neutral and slightly polar, at codon 711 of the ATP7B protein (p.Gly711Trp). This variant is present in population databases (no rsID available, gnomAD 0.006%). This missense change has been observed in individual(s) with Wilson disease (PMID: 10502777, 31059521). ClinVar contains an entry for this variant (Variation ID: 555609). Invitae Evidence Modeling of protein sequence and biophysical properties (such as structural, functional, and spatial information, amino acid conservation, physicochemical variation, residue mobility, and thermodynamic stability) indicates that this missense variant is expected to disrupt ATP7B protein function with a positive predictive value of 80%. For these reasons, this variant has been classified as Pathogenic.

Lildballe Lab, Aarhus University Hospital
Classification: Likely pathogenic for Wilson disease. Last evaluated: 2024-08-29. Review status: criteria provided, single submitter. Criteria: ACMG Guidelines, 2015. Collection method: clinical testing. Allele origin: germline. Affected: yes.
Comment: PM1 PM2 PM5 PP3

Blueprint Genetics
Classification: Pathogenic for ATP7B-related disorders. Last evaluated: 2024-06-19. Review status: criteria provided, single submitter. Criteria: ACMG Guidelines, 2015. Collection method: clinical testing. Allele origin: germline. Affected: yes. Observed: 3 variant alleles.

Natera, Inc.
Classification: Likely pathogenic for Wilson disease. Last evaluated: 2024-04-15. Review status: criteria provided, single submitter. Criteria: Natera Variant Classification Schema (03/2026). Collection method: clinical testing. Allele origin: germline.
Comment: The c.2131G>T variant in ATP7B is a missense variant predicted to cause substitution of glycine to tryptophan at amino acid 711. This variant is rare in the general population with a frequency below the threshold expected for the associated phenotype(s). This variant has been observed in one or more individuals affected with the associated recessive disease, as either homozygous or compound heterozygous with a second variant (PMID: 31059521). Computational prediction algorithms indicate this variant is likely to affect gene or protein function. Given the available evidence, this variant is classified as Likely Pathogenic.

Fulgent Genetics
Classification: Pathogenic for Wilson disease. Last evaluated: 2024-04-02. Review status: criteria provided, single submitter. Criteria: ACMG Guidelines, 2015. Collection method: clinical testing. Allele origin: germline.

Baylor Genetics
Classification: Pathogenic for Wilson disease. Last evaluated: 2023-05-22. Review status: criteria provided, single submitter. Criteria: ACMG Guidelines, 2015. Collection method: clinical testing. Allele origin: unknown.

Neuberg Centre For Genomic Medicine, NCGM
Classification: Likely pathogenic for Wilson disease. Last evaluated: 2023-03-01. Review status: criteria provided, single submitter. Criteria: ACMG Guidelines, 2015. Collection method: clinical testing. Allele origin: germline. Inheritance: Autosomal recessive inheritance. Affected: yes.
Comment: The missense c.2131G>T(p.Gly711Trp) variant in ATP7B gene has been reported previously in homozygous and compound heterozygous states in individual(S) affected with Wilson's disease (Aaron R, et. al., 2021; Singh N, et. al., 2019). The p.Gly711Trp variant has been reported with allele frequency of 0.0008% in gnomAD Exomes and is novel (not in any individuals) in 1000 Genomes. This variant has been reported to the ClinVar database as Uncertain Significance / Likely Pathogenic / Pathogenic. The amino acid change p.Gly711Trp in ATP7B is predicted as conserved by GERP++ and PhyloP across 100 vertebrates. The amino acid Gly at position 711 is changed to a Trp changing protein sequence and it might alter its composition and physico-chemical properties. Additional functional studies will be required to prove the pathogenicity of this variant. For these reasons, this variant has been classified as Likely Pathogenic.

Genome-Nilou Lab
Classification: Likely pathogenic for Wilson disease. Last evaluated: 2021-08-10. Review status: criteria provided, single submitter. Criteria: ACMG Guidelines, 2015. Collection method: clinical testing. Allele origin: germline. Affected: no.

Women's Health and Genetics/Laboratory Corporation of America, LabCorp
Classification: Pathogenic for Wilson disease. Last evaluated: 2021-03-25. Review status: criteria provided, single submitter. Criteria: LabCorp Variant Classification Summary - May 2015. Collection method: clinical testing. Allele origin: germline.
Comment: Variant summary: ATP7B c.2131G>T (p.Gly711Trp) results in a non-conservative amino acid change in the encoded protein sequence. Five of five in-silico tools predict a damaging effect of the variant on protein function. The variant allele was found at a frequency of 8e-06 in 248946 control chromosomes. c.2131G>T has been reported in the literature in multiple individuals affected with Wilson Disease (WD) further supported by identification of very low serum cerruloplasmin and serum copper and the classic stigmata of WD in all cases (example, Singh_2019, Curtis_1999). These data indicate that the variant is very likely to be associated with disease. To our knowledge, no experimental evidence demonstrating an impact on protein function has been reported. One clinical diagnostic laboratory has submitted clinical-significance assessments for this variant to ClinVar after 2014 and classified the variant as uncertain significance while not citing all publications utilized in the context of this evaluation. Based on the evidence outlined above, the variant was classified as pathogenic.

Mayo Clinic Laboratories, Mayo Clinic
Classification: Likely pathogenic. Last evaluated: 2021-01-29. Review status: criteria provided, single submitter. Criteria: ACMG Guidelines, 2015. Collection method: clinical testing. Allele origin: germline.
Comment: PP3, PM2, PM3_strong, PM5

Counsyl
Classification: Uncertain significance for Wilson disease. Last evaluated: 2017-12-14. Review status: no assertion criteria provided. Collection method: clinical testing. Allele origin: unknown. Not counted in ClinVar's aggregate classification.

Literature cited by the submitters: PubMed 10502777 (cited by 3 submitters); PubMed 31059521 (cited by 4 submitters); PubMed 22692182 (cited by 3 submitters); PubMed 23518715 (cited by Women's Health and Genetics/Laboratory Corporation of America, LabCorp and Counsyl); PubMed 23235335 (cited by Women's Health and Genetics/Laboratory Corporation of America, LabCorp); PubMed 24253677 (cited by 3 submitters); PubMed 33668890 (cited by Mayo Clinic Laboratories, Mayo Clinic); PubMed 35535059 (cited by Mayo Clinic Laboratories, Mayo Clinic).